The following is an entry in ClinVar:

ClinVar aggregate classification (germline): Uncertain significance (1 of 4 stars; one submission).

Submission:

CeGaT Center for Human Genetics Tuebingen
Classification: Uncertain significance. Last evaluated: 2023-07-01. Review status: criteria provided, single submitter. Criteria: CeGaT Center For Human Genetics Tuebingen Variant Classification Criteria Version 2. Collection method: clinical testing. Allele origin: germline. Affected: yes. Observed: 1 variant allele.
Comment: GABRG2: PM2, PP3

NM_198904.4(GABRG2):c.1153-12C>G

Gene: GABRG2 (gamma-aminobutyric acid type A receptor subunit gamma2; plus strand). Cytogenetic location: 5q34.
Variant type: single nucleotide variant.
Coding change: c.1153-12C>G on transcript NM_198904.4 (MANE Select); 12 bases into the intron before coding-DNA position 1153, C replaced by G.
Molecular consequence: intron variant.
Genome position (GRCh38, 1-based): chr5:162,153,081, C>G. VCF-style: chr5-162153081-C-G. GRCh37 (hg19) VCF-style: chr5-161580087-C-G.
Other names: c.844-12C>G (NM_001375349.1); c.1249-12C>G (NM_001375343.1); c.1192-12C>G (NM_001375344.1); c.947-12C>G (NM_001375340.1); c.1150-12C>G (NM_001375341.1); c.1126-12C>G (NM_001375342.1); c.733-12C>G (NM_001375350.1); c.709-12C>G (NM_001375348.1); and 6 more.
Identifiers: ClinVar variation 2656022 (VCV002656022.24), dbSNP rs915785347, ClinGen allele CA2695198789.
Genomic context (GRCh38, chr5:162,153,081, plus strand): 5'-ATTGTGGAAAAACAGCCTAGGATCTCTCGAGAACAACTAACTGATCCCTCTCCTTCCCTA[C>G]CCTCGTCCCAGGCCCCTACCATTGATATCCGCCCAAGATCAGCAACCATTCAAATGAATA-3'